The following is an entry in ClinVar:

ClinVar aggregate classification (germline): Uncertain significance (1 of 4 stars; one submission).

gnomAD v4.1: 1 of 1,613,912 alleles (0.000062%); highest among the groups gnomAD compares: South Asian, 0.0011%; no homozygotes.

Submission:

GeneDx
Classification: Uncertain significance. Last evaluated: 2024-02-15. Review status: criteria provided, single submitter. Criteria: GeneDx Variant Classification Process June 2021. Collection method: clinical testing. Allele origin: germline. Affected: yes.
Comment: Not observed at significant frequency in large population cohorts (gnomAD); In silico analysis supports that this missense variant has a deleterious effect on protein structure/function; Has not been previously published as pathogenic or benign to our knowledge

NM_033453.4(ITPA):c.524T>G (p.Val175Gly)

Gene: ITPA (inosine triphosphatase; plus strand). Cytogenetic location: 20p13.
Variant type: single nucleotide variant.
Coding change: c.524T>G on transcript NM_033453.4 (MANE Select); coding-DNA position 524, T replaced by G.
Protein change: p.Val175Gly; replaces valine 175 with glycine.
Molecular consequence: missense variant. On other transcripts: non-coding transcript variant (2), intron variant (1).
Genome position (GRCh38, 1-based): chr20:3,223,401, T>G. VCF-style: chr20-3223401-T-G. GRCh37 (hg19) VCF-style: chr20-3204047-T-G.
Other names: c.401T>G, p.Val134Gly (NM_001267623.2); c.187T>G, p.Ser63Ala (NM_001324236.2, NM_001324237.2, NM_001324238.2 and 1 more transcripts); c.571T>G, p.Ser191Ala (NM_001424408.1); c.650T>G, p.Val217Gly (NM_001424409.1); c.473T>G, p.Val158Gly (NM_181493.4); c.412-3282T>G (NM_001324240.2); short protein forms S191A, S63A, V134G, V158G, V175G, V217G.
Identifiers: ClinVar variation 3369204 (VCV003369204.1).